The following is an entry in ClinVar:

NM_001080467.3(MYO5B):c.3304T>A (p.Ser1102Thr)

Gene: MYO5B (myosin VB; minus strand). Cytogenetic location: 18q21.1.
Variant type: single nucleotide variant.
Coding change: c.3304T>A on transcript NM_001080467.3 (MANE Select); coding-DNA position 3304, T replaced by A.
Protein change: p.Ser1102Thr; replaces serine 1102 with threonine.
Molecular consequence: missense variant.
Genome position (GRCh38, 1-based): chr18:49,877,855, A>T on the plus strand (T>A on the coding strand, the complement: MYO5B is on the minus strand). VCF-style: chr18-49877855-A-T. GRCh37 (hg19) VCF-style: chr18-47404225-A-T.
Other names: short protein forms S1102T.
Identifiers: ClinVar variation 2116954 (VCV002116954.4), dbSNP rs1324017347, ClinGen allele CA402428595.

ClinVar aggregate classification (germline): Uncertain significance (1 of 4 stars; one submission).

Submission:

Labcorp Genetics (formerly Invitae), Labcorp
Classification: Uncertain significance. Last evaluated: 2022-10-21. Review status: criteria provided, single submitter. Criteria: Invitae Variant Classification Sherloc (09022015). Collection method: clinical testing. Allele origin: germline.
Comment: This sequence change replaces serine, which is neutral and polar, with threonine, which is neutral and polar, at codon 1102 of the MYO5B protein (p.Ser1102Thr). This variant is not present in population databases (gnomAD no frequency). This variant has not been reported in the literature in individuals affected with MYO5B-related conditions. Advanced modeling of protein sequence and biophysical properties (such as structural, functional, and spatial information, amino acid conservation, physicochemical variation, residue mobility, and thermodynamic stability) performed at Invitae indicates that this missense variant is expected to disrupt MYO5B protein function. In summary, the available evidence is currently insufficient to determine the role of this variant in disease. Therefore, it has been classified as a Variant of Uncertain Significance.